The following is an entry in ClinVar:

ClinVar aggregate classification (germline): Pathogenic (1 of 4 stars; one submission).

Conditions:
Hereditary cancer-predisposing syndrome. Also called: Neoplastic Syndromes, Hereditary; Tumor predisposition; Hereditary neoplastic syndrome; Hereditary Cancer Syndrome. Identifiers: Orphanet 140162, MedGen C0027672, MeSH D009386, MONDO:0015356.

Submission:

Ambry Genetics
Classification: Pathogenic for Hereditary cancer-predisposing syndrome. Last evaluated: 2019-05-02. Review status: criteria provided, single submitter. Criteria: Ambry Variant Classification Scheme 2023. Collection method: clinical testing. Allele origin: germline.
Comment: The c.3781_3784dupAACT pathogenic mutation, located in coding exon 25 of the RAD50 gene, results from a duplication of AACT at nucleotide position 3781, causing a translational frameshift with a predicted alternate stop codon (p.F1262*). This truncation leads to partial loss of the ABC ATPase domain, which is integral in dsDNA break repair (Williams GJ et al. Nat. Struct. Mol. Biol. 2011 Apr; 18(4):423-31). This alteration is expected to result in loss of function by premature protein truncation or nonsense-mediated mRNA decay. As such, this alteration is interpreted as a disease-causing mutation.

NM_005732.4(RAD50):c.3781_3784dup (p.Phe1262Ter)

Genes: TH2LCRR (T helper type 2 locus control region associated RNA; minus strand), RAD50 (RAD50 double strand break repair protein; plus strand). Cytogenetic location: 5q31.1.
Variant type: Duplication.
Coding change: c.3781_3784dup on transcript NM_005732.4 (MANE Select); coding-DNA positions 3781 to 3784, 4 bases duplicated (AACT; older notation c.3781_3784dupAACT).
Protein change: p.Phe1262Ter; replaces phenylalanine 1262 with a stop codon.
Molecular consequence: nonsense. On other transcripts: non-coding transcript variant (1).
Genome position (GRCh38, 1-based): chr5:132,642,206-132,642,209, AACT duplicated; duplicating any 4 consecutive bases within chr5:132,642,205-132,642,209 gives the same sequence; the c. name uses the placement nearest the transcript's 3' end. VCF-style (leftmost placement, unchanged base first): chr5-132642204-G-GTAAC. GRCh37 (hg19) VCF-style: chr5-131977896-G-GTAAC.
Other names: short protein forms F1262*.
Identifiers: ClinVar variation 824200 (VCV000824200.4), dbSNP rs1581024954, ClinGen allele CA915942564.